The following is an entry in ClinVar:

ClinVar aggregate classification (germline): Likely pathogenic (1 of 4 stars; one submission).

Conditions:
Werner syndrome (WRN). Identifiers: Orphanet 902, MedGen C0043119, MONDO:0010196, OMIM 277700.

Submission:

Labcorp Genetics (formerly Invitae), Labcorp
Classification: Likely pathogenic for Werner syndrome. Last evaluated: 2022-09-21. Review status: criteria provided, single submitter. Criteria: Invitae Variant Classification Sherloc (09022015). Collection method: clinical testing. Allele origin: germline.
Comment: In summary, the currently available evidence indicates that the variant is pathogenic, but additional data are needed to prove that conclusively. Therefore, this variant has been classified as Likely Pathogenic. This variant has not been reported in the literature in individuals affected with WRN-related conditions. This variant is a gross deletion of the genomic region encompassing exon(s) 31-34 of the WRN gene. While this deletion is not anticipated to lead to nonsense mediated decay, it is expected to disrupt the C-terminus of the protein.

NC_000008.10:g.(?_31007847)_(31024756_?)del

Gene: WRN (WRN RecQ like helicase; plus strand). Cytogenetic location: 8p12.
Variant type: Deletion.
Identifiers: ClinVar variation 1500036 (VCV001500036.5).